The following is an entry in ClinVar:

NM_201384.3(PLEC):c.1752C>T (p.Pro584=)

Gene: PLEC (plectin; minus strand). Cytogenetic location: 8q24.3.
Variant type: single nucleotide variant.
Coding change: c.1752C>T on transcript NM_201384.3 (MANE Select); coding-DNA position 1752, C replaced by T.
Protein change: p.Pro584=; no amino-acid change (proline 584 retained).
Molecular consequence: synonymous variant.
Genome position (GRCh38, 1-based): chr8:143,932,698, G>A on the plus strand (C>T on the coding strand, the complement: PLEC is on the minus strand). VCF-style: chr8-143932698-G-A. GRCh37 (hg19) VCF-style: chr8-145006866-G-A.
Other names: p.Pro570=; c.1833C>T, p.Pro611= (NM_000445.5); c.1710C>T, p.Pro570= (NM_201378.4); c.1686C>T, p.Pro562= (NM_201379.3); c.2163C>T, p.Pro721= (NM_201380.4); c.1656C>T, p.Pro552= (NM_201381.3); c.1752C>T, p.Pro584= (NM_201382.4); c.1764C>T, p.Pro588= (NM_201383.3).
Identifiers: ClinVar variation 129936 (VCV000129936.22), dbSNP rs185978075, ClinGen allele CA154463.
Genomic context (GRCh38, chr8:143,932,698, plus strand): 5'-CAGCTTGGCGTACTGCAGGTCCAGCCGACCCAGGCAGTCACGGTAGGCACCCCGGGTGGC[G>A]GGGGAGAGCTGGCCCTGCAACAGATGAGACGGTGAGGTCTGCAGTGGCTGGGCCCGGCCC-3'
Protein context (NP_958786.1, residues 574-594): RARSDEGQLS[Pro584=]ATRGAYRDCL

ClinVar aggregate classification (germline): Benign/Likely benign. Review status: criteria provided, multiple submitters, no conflicts (2 of 4 stars). 7 submissions from 7 submitters: Benign (4); Likely benign (2). 1 of the submissions does not count toward it. Last evaluated 2026-01-26.

Conditions:
Epidermolysis bullosa simplex 5C, with pyloric atresia (EBS5C). Also called: PLEC-Related Epidermolysis Bullosa with Pyloric Atresia; Epidermolysis bullosa simplex with pyloric atresia; PLEC1-Related Epidermolysis Bullosa with Pyloric Atresia. Identifiers: Orphanet 158684, MedGen C2677349, MONDO:0012807, OMIM 612138.
Autosomal recessive limb-girdle muscular dystrophy type 2Q (LGMDR17). Also called: MUSCULAR DYSTROPHY, LIMB-GIRDLE, AUTOSOMAL RECESSIVE 17. Identifiers: Orphanet 254361, MedGen C3150989, MONDO:0013390, OMIM 613723.
Epidermolysis bullosa simplex with nail dystrophy (EBS5D). Identifiers: MedGen C4225309, MONDO:0014661, OMIM 616487.
Epidermolysis bullosa simplex 5B, with muscular dystrophy (EBS5B). Also called: Epidermolysis bullosa simplex with muscular dystrophy; EPIDERMOLYSIS BULLOSA SIMPLEX AND LIMB-GIRDLE MUSCULAR DYSTROPHY. Identifiers: Orphanet 257, MedGen C2931072, MONDO:0009181, OMIM 226670.
Epidermolysis bullosa simplex, Ogna type (EBS5A). Also called: Pidermolysis bullosa simplex 5A, Ogna type; EPIDERMOLYSIS BULLOSA SIMPLEX 5A, OGNA TYPE. Identifiers: Orphanet 79401, MedGen C0432317, MONDO:0007555, OMIM 131950.

Allele frequency attached by ClinVar (database versions not stated): ExAC 0.00354; ESP Exome Variant Server 0.00826; gnomAD 0.00852; TOPMed 0.00978; 1000 Genomes Project 0.01218; 1000 Genomes Project 30x 0.01359.
gnomAD v4.1: 2,846 of 1,606,976 alleles (0.18%); highest among the groups gnomAD compares: African/African-American, 2.9%; 38 homozygotes.

Submissions (7):

Labcorp Genetics (formerly Invitae), Labcorp
Classification: Benign for Autosomal recessive limb-girdle muscular dystrophy type 2Q; Epidermolysis bullosa simplex, Ogna type; Epidermolysis bullosa simplex with nail dystrophy; Epidermolysis bullosa simplex 5C, with pyloric atresia; Epidermolysis bullosa simplex 5B, with muscular dystrophy. Last evaluated: 2026-01-26. Review status: criteria provided, single submitter. Criteria: Invitae Variant Classification Sherloc (09022015). Collection method: clinical testing. Allele origin: germline.

Mayo Clinic Laboratories, Mayo Clinic
Classification: Benign. Last evaluated: 2024-02-15. Review status: criteria provided, single submitter. Criteria: ACMG Guidelines, 2015. Collection method: clinical testing. Allele origin: germline. Observed: 5 variant alleles.
Comment: BS1, BS2, BP4, BP7

GeneDx
Classification: Benign. Last evaluated: 2016-03-15. Review status: criteria provided, single submitter. Criteria: GeneDx Variant Classification (06012015). Collection method: clinical testing. Allele origin: germline. Affected: yes.
Comment: This variant is considered likely benign or benign based on one or more of the following criteria: it is a conservative change, it occurs at a poorly conserved position in the protein, it is predicted to be benign by multiple in silico algorithms, and/or has population frequency not consistent with disease.

Eurofins Ntd Llc (ga)
Classification: Benign. Last evaluated: 2015-11-11. Review status: criteria provided, single submitter. Criteria: EGL Classification Definitions 2015. Collection method: clinical testing. Allele origin: germline. Observed: 1 variant allele, 1 heterozygote.

Breakthrough Genomics
Classification: Likely benign. Review status: criteria provided, single submitter. Criteria: ACMG Guidelines, 2015. Collection method: not provided. Allele origin: germline. Inheritance: Autosomal recessive inheritance. Affected: yes.

PreventionGenetics, part of Exact Sciences
Classification: Likely benign. Review status: criteria provided, single submitter. Criteria: ACMG Guidelines, 2015. Collection method: clinical testing. Allele origin: germline.

Genetic Services Laboratory, University of Chicago
Classification: Likely benign for AllHighlyPenetrant. Review status: no assertion criteria provided. Collection method: clinical testing. Allele origin: germline. Inheritance: Autosomal recessive inheritance. Not counted in ClinVar's aggregate classification.
Comment: Likely benign based on allele frequency in 1000 Genomes Project or ESP global frequency and its presence in a patient with a rare or unrelated disease phenotype. NOT Sanger confirmed.